The following is an entry in ClinVar:

NM_004006.3(DMD):c.3088A>T (p.Lys1030Ter)

Gene: DMD (dystrophin; minus strand). Cytogenetic location: Xp21.1.
Variant type: single nucleotide variant.
Coding change: c.3088A>T on transcript NM_004006.3 (MANE Select); coding-DNA position 3088, A replaced by T.
Protein change: p.Lys1030Ter; replaces lysine 1030 with a stop codon.
Molecular consequence: nonsense.
Genome position (GRCh38, 1-based): chrX:32,468,572, T>A on the plus strand (A>T on the coding strand, the complement: DMD is on the minus strand). VCF-style: chrX-32468572-T-A. GRCh37 (hg19) VCF-style: chrX-32486689-T-A.
Other names: c.3064A>T, p.Lys1022Ter (NM_000109.4); c.3076A>T, p.Lys1026Ter (NM_004009.3); c.2719A>T, p.Lys907Ter (NM_004010.3); short protein forms K1022*, K1026*, K1030*, K907*.
Identifiers: ClinVar variation 1071406 (VCV001071406.7), dbSNP rs2148459492, ClinGen allele CA412666895.
Genomic context (GRCh38, chrX:32,468,572, plus strand): 5'-GTTTATTCATTTGCTCCTCTAGCTTTTGACAATGCTCAACCAGCTGGGAGGAGAGCTTCT[T>A]CCAGCGTCCCTCAATTTCTTCAAATTCTGATTGATATTTCCGGCTAATTTCAGAGGGCGC-3'

ClinVar aggregate classification (germline): Pathogenic (1 of 4 stars; one submission).

Conditions:
Duchenne muscular dystrophy (DMD). Also called: MUSCULAR DYSTROPHY, PSEUDOHYPERTROPHIC PROGRESSIVE, DUCHENNE TYPE; Duchenne Muscular Dystrophy (DMD). Identifiers: Orphanet 98896, MedGen C0013264, MONDO:0010679, OMIM 310200.

Submission:

Labcorp Genetics (formerly Invitae), Labcorp
Classification: Pathogenic for Duchenne muscular dystrophy. Last evaluated: 2018-01-21. Review status: criteria provided, single submitter. Criteria: Invitae Variant Classification Sherloc (09022015). Collection method: clinical testing. Allele origin: germline.
Comment: For these reasons, this variant has been classified as Pathogenic. Loss-of-function variants in DMD are known to be pathogenic (PMID: 16770791, 25007885). This variant has not been reported in the literature in individuals with DMD-related disease. This variant is not present in population databases (ExAC no frequency). This sequence change creates a premature translational stop signal (p.Lys1030*) in the DMD gene. It is expected to result in an absent or disrupted protein product.

Literature cited by the submitters: PubMed 16770791; PubMed 25007885.